The following is an entry in ClinVar:

NM_000059.4(BRCA2):c.7051G>A (p.Ala2351Thr)

Gene: BRCA2 (BRCA2 DNA repair associated; plus strand). Cytogenetic location: 13q13.1.
Variant type: single nucleotide variant.
Coding change: c.7051G>A on transcript NM_000059.4 (MANE Select); coding-DNA position 7051, G replaced by A.
Protein change: p.Ala2351Thr; replaces alanine 2351 with threonine.
Molecular consequence: missense variant.
Genome position (GRCh38, 1-based): chr13:32,354,904, G>A. VCF-style: chr13-32354904-G-A. GRCh37 (hg19) VCF-style: chr13-32929041-G-A.
Other names: p.A2351T:GCA>ACA; NP_000050.3:p.Ala2351Thr; short protein forms A2351T.
Identifiers: ClinVar variation 52256 (VCV000052256.55), dbSNP rs80358930, ClinGen allele CA024798.

ClinVar aggregate classification (germline): Conflicting classifications of pathogenicity. Review status: criteria provided, conflicting classifications (1 of 4 stars). 16 submissions from 15 submitters: Uncertain significance (8); Benign (1); Likely benign (5). 2 of the submissions do not count toward it. Last evaluated 2026-09-10.

Conditions:
Breast-ovarian cancer, familial, susceptibility to, 2 (BROVCA2). Also called: BRCA2 Hereditary Breast and Ovarian Cancer. Identifiers: Orphanet 145, MedGen C2675520, MONDO:0012933, OMIM 612555. Disease mechanism: loss of function.
Fanconi anemia complementation group D1. Also called: BRCA2-Related Fanconi Anemia. Identifiers: Orphanet 319462, MedGen C1838457, MONDO:0011584, OMIM 605724.
Medulloblastoma (MDB). Also called: MEDULLOBLASTOMA PREDISPOSITION SYNDROME; Medulloblastoma, somatic. Identifiers: Orphanet 616, MedGen C0025149, MeSH D008527, MONDO:0007959, OMIM 155255, HP:0002885.
Pancreatic cancer, susceptibility to, 2. Identifiers: Orphanet 1333, MedGen C3150546, MONDO:0013235, OMIM 613347.
Glioma susceptibility 3 (GLM3). Also called: Glioblastoma 3. Identifiers: Orphanet 182067, Orphanet 360, MedGen C2751641, MONDO:0013093, OMIM 613029.
Wilms tumor 1 (WT1). Also called: Wilms tumor, somatic. Identifiers: Orphanet 654, MedGen CN033288, MONDO:0008679, OMIM 194070.
Familial cancer of breast. Also called: hereditary breast carcinoma; BREAST CANCER, FAMILIAL; Hereditary breast cancer. Identifiers: Orphanet 227535, MedGen C0346153, MONDO:0016419, OMIM 114480. Disease mechanism: loss of function.
Esophageal atresia/tracheoesophageal fistula. Also called: TRACHEOESOPHAGEAL FISTULA WITH OR WITHOUT ESOPHAGEAL ATRESIA; Tracheoesophageal fistula. Identifiers: Orphanet 1199, MedGen C0040588, MeSH D014138, MONDO:0008586, OMIM 189960, HP:0002575.
Prostate cancer. Also called: Malignant tumor of prostate. Identifiers: Orphanet 1331, MedGen C0376358, MONDO:0008315, HP:0012125.
BRCA2-related disorder. Also called: BRCA2-related condition; BRCA2-related disorders. Identifiers: MedGen CN239275.
Hereditary cancer-predisposing syndrome. Also called: Hereditary Cancer Syndrome; Neoplastic Syndromes, Hereditary; Hereditary neoplastic syndrome; Tumor predisposition. Identifiers: Orphanet 140162, MedGen C0027672, MeSH D009386, MONDO:0015356.
Hereditary breast ovarian cancer syndrome. Also called: Hereditary breast and ovarian cancer syndrome; Breast and ovarian cancer; Hereditary breast and ovarian cancer syndrome (HBOC); BRCA1- and BRCA2-Associated Hereditary Breast and Ovarian Cancer; Hereditary breast and/or ovarian cancer syndrome; Hereditary breast and ovarian cancer. Identifiers: Orphanet 145, MedGen C0677776, MeSH D061325, MONDO:0003582. Disease mechanism: loss of function.
Malignant tumor of breast. Also called: Malignant breast neoplasm; Cancer breast. Identifiers: MedGen C0006142, MONDO:0007254. Disease mechanism: loss of function.

Allele frequency attached by ClinVar (database versions not stated): gnomAD 0.00006; TOPMed 0.00002.
gnomAD v4.1: 42 of 1,613,370 alleles (0.0026%); highest among the groups gnomAD compares: East Asian, 0.016%; no homozygotes.

Submissions 1 to 8 of 16:

PreventionGenetics, part of Exact Sciences
Classification: Uncertain significance for BRCA2-related condition. Last evaluated: 2026-09-10. Review status: criteria provided, single submitter. Criteria: ACMG Guidelines, 2015. Collection method: clinical testing. Allele origin: germline.
Comment: The BRCA2 c.7051G>A variant is predicted to result in the amino acid substitution p.Ala2351Thr. This variant has been reported in individuals with breast, ovarian, and endometrial cancer (Lee et al. 2008. PubMed ID: 18284688; Akbari et al. 2011. PubMed ID: 21965345; Supplementary Data 1, Kim et al. 2020. PubMed ID: 31907386; Combrink et al. 2021. PubMed ID: 34218100; Table S1, Guan et al. 2025. PubMed ID: 40405108); however, this variant has been observed at similar frequencies in breast cancer cases and non-cancer controls in at least two studies (Supplemental Data 1, Momozawa et al. 2018. PubMed ID: 30287823; Supplementary Data, Breast Cancer Association Consortium et al. 2021. PubMed ID: 33471991). In vitro studies suggest that this variant retains homologous recombination activity similar to wild-type controls (Guo et al. 2023. PubMed ID: 37731132). This variant is reported in 0.020% of alleles in individuals of South Asian descent in gnomAD and has conflicting interpretations in ClinVar ranging from uncertain to benign (Variation ID: 52256). Although we suspect that this variant may be benign, the clinical significance of this variant is uncertain at this time due to the absence of conclusive functional and genetic evidence.

Labcorp Genetics (formerly Invitae), Labcorp
Classification: Likely benign for Hereditary breast ovarian cancer syndrome. Last evaluated: 2026-01-20. Review status: criteria provided, single submitter. Criteria: Invitae Variant Classification Sherloc (09022015). Collection method: clinical testing. Allele origin: germline.

Women's Health and Genetics/Laboratory Corporation of America, LabCorp
Classification: Likely benign. Last evaluated: 2025-03-21. Review status: criteria provided, single submitter. Criteria: LabCorp Variant Classification Summary - May 2015. Collection method: clinical testing. Allele origin: germline.
Comment: Variant summary: BRCA2 c.7051G>A (p.Ala2351Thr) results in a non-conservative amino acid change in the encoded protein sequence. Four of five in-silico tools predict a benign effect of the variant on protein function. The variant allele was found at a frequency of 6.7e-05 in 298156 control chromosomes. This frequency is not significantly higher than estimated for a pathogenic variant in BRCA2 causing Hereditary Breast And Ovarian Cancer Syndrome (6.7e-05 vs 0.00075), allowing no conclusion about variant significance. c.7051G>A has been reported in the literature in individuals affected with breast or ovarian cancer (example: Akbari_2011, Lee_2008, Momozawa_2018, Park_2020) as well as in controls (Momozawa_2018). These reports however, do not provide unequivocal conclusions about association of the variant with Hereditary Breast and Ovarian Cancer Syndrome. Co-occurrences with other pathogenic variants have been reported in UMD and NHGRI BIC databases (BRCA2 c.1723A>T, p.Lys575X; BRCA1 c.2411_2412delAG, p.Gln804Leufs), providing supporting evidence for a benign role. One study reported the variant to be functional using an HDR assay (Guo_2023). The HDR assay qualifies as a standardized gold-standard assay on the basis of the updated guidance provided by the ClinGen Sequence Variant Interpretation (SVI) Working Group (Brnich_2019). ClinGen SVI now recognizes benign functional evidence as sufficient for likely benign (Tavtigian_2018). The following publications have been ascertained in the context of this evaluation (PMID: 21965345, 18284688, 20858050, 30287823, 30039884, 31131967, 32812259, 37731132). ClinVar contains an entry for this variant (Variation ID: 52256). Based on the evidence outlined above, the variant was classified as likely benign.

Quest Diagnostics Nichols Institute San Juan Capistrano
Classification: Likely benign. Last evaluated: 2024-09-23. Review status: criteria provided, single submitter. Criteria: Quest Diagnostics criteria. Collection method: clinical testing. Allele origin: unknown.

Ambry Genetics
Classification: Uncertain significance for Hereditary cancer-predisposing syndrome. Last evaluated: 2024-03-29. Review status: criteria provided, single submitter. Criteria: Ambry Variant Classification Scheme 2023. Collection method: clinical testing. Allele origin: germline.
Comment: The p.A2351T variant (also known as c.7051G>A), located in coding exon 13 of the BRCA2 gene, results from a G to A substitution at nucleotide position 7051. The alanine at codon 2351 is replaced by threonine, an amino acid with similar properties. This alteration has been reported with a carrier frequency of 4 in 7,051 unselected breast cancer patients and 4 in 11,241 female controls of Japanese ancestry (Momozawa Y et al. Nat Commun. 2018 10;9:4083). This alteration has also been reported in 1 of 1345 ovarian cancer patients (Akbari MR et al. J. Med. Genet. 2011 Nov;48:783-6) and in a cohort of 1469 early-onset breast cancer patients (Lee E et al. Breast Cancer Res. 2008 Mar;10:R19). This amino acid position is not well conserved in available vertebrate species. In addition, this alteration is predicted to be tolerated by in silico analysis. Since supporting evidence is limited at this time, the clinical significance of this alteration remains unclear.

Baylor Genetics
Classification: Uncertain significance for Familial cancer of breast. Last evaluated: 2024-02-14. Review status: criteria provided, single submitter. Criteria: ACMG Guidelines, 2015. Collection method: clinical testing. Allele origin: unknown.

MGZ Medical Genetics Center
Classification: Benign for Familial cancer of breast. Last evaluated: 2024-02-09. Review status: criteria provided, single submitter. Criteria: CSpec BRCA1/2ACMG Rules Specifications V1.1.0. Collection method: clinical testing. Allele origin: germline. Affected: yes.
Comment: ACMG codes applied following ENIGMA VCEP rules: BP1_STR, BS1_SUP; BP5_MOD

St. Jude Molecular Pathology, St. Jude Children's Research Hospital
Classification: Uncertain significance for Breast-ovarian cancer, familial, susceptibility to, 2. Last evaluated: 2022-10-06. Review status: criteria provided, single submitter. Criteria: St. Jude Assertion Criteria 2020. Collection method: clinical testing. Allele origin: germline.
Comment: The BRCA2 c.7051G>A (p.Ala2351Thr) missense change has a maximum subpopulation frequency of 0.020% in gnomAD v2.1.1. The in silico tool REVEL is inconclusive about a pathogenic or benign effect of this variant on protein function, and to our knowledge functional studies have not been performed. This variant has been reported in individuals with breast and ovarian cancer (PMID: 18284688, 21965345) and a case-control study indicated that individuals with this variant had an increased risk of developing breast cancer with an odds ratio of 1.6 (PMID: 30287823). However, this variant has also been reported in individuals who harbored a pathogenic variant in BRCA1 or BRCA2 (UMD, NHGRI BIC databases). This variant is absent in the FLOSSIES database, which contains genetic variants from women older than 70 years of age who have never had cancer. To our knowledge, this variant has not been reported in individuals with Fanconi anemia. In summary, the evidence currently available is insufficient to determine the clinical significance of this variant. It has therefore been classified as of uncertain significance.